The following is an entry in ClinVar:

NM_004036.5(ADCY3):c.2945_2947dup (p.Met982_Ala983insVal)

Gene: ADCY3 (adenylate cyclase 3; minus strand). Cytogenetic location: 2p23.3.
Variant type: Duplication.
Coding change: c.2945_2947dup on transcript NM_004036.5 (MANE Select); coding-DNA positions 2945 to 2947, 3 bases duplicated (TGG; older notation c.2945_2947dupTGG).
Protein change: p.Met982_Ala983insVal.
Molecular consequence: inframe insertion.
Genome position (GRCh38, 1-based): chr2:24,822,567-24,822,569, CCA duplicated on the plus strand (TGG on the coding strand, the reverse complement: ADCY3 is on the minus strand). VCF-style (leftmost placement, unchanged base first): chr2-24822566-G-GCCA. GRCh37 (hg19) VCF-style: chr2-25045435-G-GCCA.
Other names: c.2948_2950dup, p.Met983_Ala984insVal (NM_001320613.2); c.3011_3013dup, p.Met1004_Ala1005insVal (NM_001377128.1); c.2807_2809dup, p.Met936_Ala937insVal (NM_001377129.1); c.2393_2395dup, p.Met798_Ala799insVal (NM_001377130.1); c.2222_2224dup, p.Met741_Ala742insVal (NM_001377131.1); c.2945_2947dup, p.Met982_Ala983insVal (NM_001377132.1).
Identifiers: ClinVar variation 3347996 (VCV003347996.1).

ClinVar aggregate classification (germline): Uncertain significance (0 of 4 stars; one submission).

Conditions:
ADCY3-related disorder. Also called: ADCY3-related condition.

Submission:

PreventionGenetics, part of Exact Sciences
Classification: Uncertain significance for ADCY3-related condition. Last evaluated: 2024-01-17. Review status: no assertion criteria provided. Collection method: clinical testing. Allele origin: germline.
Comment: The ADCY3 c.2948_2950dupTGG variant is predicted to result in an in-frame duplication (p.Met983_Ala984insVal). To our knowledge, this variant has not been reported in the literature or in a large population database, indicating this variant is rare. At this time, the clinical significance of this variant is uncertain due to the absence of conclusive functional and genetic evidence.